The following is an entry in ClinVar:

ClinVar aggregate classification (germline): Pathogenic (1 of 4 stars; one submission).

Conditions:
Neurofibromatosis, type 1 (NF1). Also called: Peripheral type neurofibromatosis; VON RECKLINGHAUSEN DISEASE; NEUROFIBROMATOSIS, TYPE I, SOMATIC; Neurofibromatosis, type I. Identifiers: Orphanet 636, MedGen C0027831, MONDO:0018975, OMIM 162200. Disease mechanism: loss of function.

Submission:

Labcorp Genetics (formerly Invitae), Labcorp
Classification: Pathogenic for Neurofibromatosis, type 1. Last evaluated: 2018-02-27. Review status: criteria provided, single submitter. Criteria: Invitae Variant Classification Sherloc (09022015). Collection method: clinical testing. Allele origin: germline.
Comment: This variant is an in-frame deletion of the genomic region encompassing exons 2-11 of the NF1 gene. It preserves the integrity of the reading frame. This variant has not been reported in the literature in individuals with NF1-related disease. Several variants located in this region (p.Leu380Pro, p.Ser82Phe, p.Arg160Thr, and p.Val253del) have been reported in individuals affected with neurofibromatosis type 1 and have been determined to be likely pathogenic or pathogenic (PMID: 27999334, 21520333, 11857752, 17311297, 21838856, Invitae). This suggests that exons 2-11 is critical for NF1 protein function and deletion of this region may also be pathogenic. For these reasons, this variant has been classified as Pathogenic.

Literature cited by the submitters: PubMed 11857752; PubMed 21520333; PubMed 17311297; PubMed 27999334; PubMed 21838856.

NC_000017.11:g.(?_31155977)_(31163382_?)del

Genes: NF1 (neurofibromin 1; plus strand), LOC108281170 (NF1 intron 2 Alu-mediated recombination region; plus strand), LOC108281180 (NF1 intron 3 Alu-mediated recombination region; plus strand). Cytogenetic location: 17q11.2.
Variant type: Deletion.
Identifiers: ClinVar variation 583632 (VCV000583632.1).